The following is an entry in ClinVar:

NM_002633.3(PGM1):c.1028+11C>A

Gene: PGM1 (phosphoglucomutase 1; plus strand). Cytogenetic location: 1p31.3.
Variant type: single nucleotide variant.
Coding change: c.1028+11C>A on transcript NM_002633.3 (MANE Select); 11 bases into the intron after coding-DNA position 1028, C replaced by A.
Molecular consequence: intron variant.
Genome position (GRCh38, 1-based): chr1:63,636,399, C>A. VCF-style: chr1-63636399-C-A. GRCh37 (hg19) VCF-style: chr1-64102070-C-A.
Other names: c.437+11C>A (NM_001172819.2); c.1082+11C>A (NM_001172818.1).
Identifiers: ClinVar variation 297880 (VCV000297880.12), dbSNP rs541069522, ClinGen allele CA889687.

ClinVar aggregate classification (germline): Conflicting classifications of pathogenicity. Review status: criteria provided, conflicting classifications (1 of 4 stars). 3 submissions from 3 submitters: Uncertain significance (1); Likely benign (2). Last evaluated 2025-02-13.

Conditions:
PGM1-congenital disorder of glycosylation. Also called: CDG It; Congenital disorder of glycosylation type 1t; PHOSPHOGLUCOMUTASE 1 DEFICIENCY; PGM1 DEFICIENCY; GLYCOGEN STORAGE DISEASE XIV; GSD XIV. Identifiers: Orphanet 319646, MedGen C2752015, MONDO:0013968, OMIM 614921.

Allele frequency attached by ClinVar (database versions not stated): gnomAD exomes 0.00001 and 0.00003; ExAC 0.00004; gnomAD 0.00011; TOPMed 0.00013; 1000 Genomes Project 30x 0.00016; 1000 Genomes Project 0.00020.
gnomAD v4.1: 27 of 1,613,726 alleles (0.0017%); highest among the groups gnomAD compares: African/African-American, 0.031%; no homozygotes.

Submissions (3):

Labcorp Genetics (formerly Invitae), Labcorp
Classification: Likely benign for PGM1-congenital disorder of glycosylation. Last evaluated: 2025-02-13. Review status: criteria provided, single submitter. Criteria: Invitae Variant Classification Sherloc (09022015). Collection method: clinical testing. Allele origin: germline.

Illumina Laboratory Services, Illumina
Classification: Uncertain significance for PGM1-congenital disorder of glycosylation. Last evaluated: 2018-01-12. Review status: criteria provided, single submitter. Criteria: ICSL Variant Classification Criteria 13 December 2019. Collection method: clinical testing. Allele origin: germline.

GeneDx
Classification: Likely benign. Last evaluated: 2016-10-18. Review status: criteria provided, single submitter. Criteria: GeneDx Variant Classification (06012015). Collection method: clinical testing. Allele origin: germline. Affected: yes.
Comment: This variant is considered likely benign or benign based on one or more of the following criteria: it is a conservative change, it occurs at a poorly conserved position in the protein, it is predicted to be benign by multiple in silico algorithms, and/or has population frequency not consistent with disease.